The following is an entry in ClinVar:

ClinVar aggregate classification (germline): Uncertain significance. Review status: criteria provided, multiple submitters, no conflicts (2 of 4 stars). 2 submissions from 2 submitters: Uncertain significance (2). Last evaluated 2025-09-24.

Conditions:
Emery-Dreifuss muscular dystrophy 5, autosomal dominant (EDMD5). Also called: EMERY-DREIFUSS MUSCULAR DYSTROPHY 5. Identifiers: Orphanet 261, MedGen C2751805, MONDO:0013072, OMIM 612999.

Allele frequency attached by ClinVar (database versions not stated): TOPMed below 0.00001; gnomAD 0.00001.
gnomAD v4.1: 9 of 1,614,078 alleles (0.00056%); highest among the groups gnomAD compares: Admixed American, 0.013%; no homozygotes.

Submissions (2):

Labcorp Genetics (formerly Invitae), Labcorp
Classification: Uncertain significance for Emery-Dreifuss muscular dystrophy 5, autosomal dominant. Last evaluated: 2025-09-24. Review status: criteria provided, single submitter. Criteria: Invitae Variant Classification Sherloc (09022015). Collection method: clinical testing. Allele origin: germline.
Comment: This sequence change replaces glutamine, which is neutral and polar, with histidine, which is basic and polar, at codon 6691 of the SYNE2 protein (p.Gln6691His). This variant is not present in population databases (gnomAD no frequency). This variant has not been reported in the literature in individuals affected with SYNE2-related conditions. ClinVar contains an entry for this variant (Variation ID: 470964). An algorithm developed to predict the effect of missense changes on protein structure and function outputs the following: PolyPhen-2: "Benign". The histidine amino acid residue is found in multiple mammalian species, which suggests that this missense change does not adversely affect protein function. In summary, the available evidence is currently insufficient to determine the role of this variant in disease. Therefore, it has been classified as a Variant of Uncertain Significance.

Revvity Omics, Revvity
Classification: Uncertain significance for Emery-Dreifuss muscular dystrophy 5, autosomal dominant. Last evaluated: 2022-12-07. Review status: criteria provided, single submitter. Criteria: ACMG Guidelines, 2015. Collection method: clinical testing. Allele origin: germline.

NM_182914.3(SYNE2):c.20073G>C (p.Gln6691His)

Gene: SYNE2 (spectrin repeat containing nuclear envelope protein 2; plus strand). Cytogenetic location: 14q23.2.
Variant type: single nucleotide variant.
Coding change: c.20073G>C on transcript NM_182914.3 (MANE Select); coding-DNA position 20073, G replaced by C.
Protein change: p.Gln6691His; replaces glutamine 6691 with histidine.
Molecular consequence: missense variant.
Genome position (GRCh38, 1-based): chr14:64,221,587, G>C. VCF-style: chr14-64221587-G-C. GRCh37 (hg19) VCF-style: chr14-64688305-G-C.
Other names: c.20004G>C, p.Gln6668His (NM_015180.6); c.639G>C, p.Gln213His (NM_182910.2); c.1017G>C, p.Gln339His (NM_182913.4); short protein forms Q6691H, Q213H, Q339H, Q6668H.
Identifiers: ClinVar variation 470964 (VCV000470964.12), dbSNP rs1555559928, ClinGen allele CA389971505.